The following is an entry in ClinVar:

ClinVar aggregate classification (germline): Uncertain significance. Review status: criteria provided, multiple submitters, no conflicts (2 of 4 stars). 2 submissions from 2 submitters: Uncertain significance (2). Last evaluated 2025-05-12.

gnomAD v4.1: 10 of 1,613,616 alleles (0.00062%); highest among the groups gnomAD compares: Admixed American, 0.0083%; no homozygotes.

Submissions (2):

Labcorp Genetics (formerly Invitae), Labcorp
Classification: Uncertain significance. Last evaluated: 2025-05-12. Review status: criteria provided, single submitter. Criteria: Invitae Variant Classification Sherloc (09022015). Collection method: clinical testing. Allele origin: germline.
Comment: This sequence change replaces serine, which is neutral and polar, with threonine, which is neutral and polar, at codon 1060 of the ITGAM protein (p.Ser1060Thr). This variant is present in population databases (rs768091092, gnomAD 0.003%). This variant has not been reported in the literature in individuals affected with ITGAM-related conditions. ClinVar contains an entry for this variant (Variation ID: 3530497). An algorithm developed to predict the effect of missense changes on protein structure and function (PolyPhen-2) suggests that this variant is likely to be tolerated. In summary, the available evidence is currently insufficient to determine the role of this variant in disease. Therefore, it has been classified as a Variant of Uncertain Significance.

Ambry Genetics
Classification: Uncertain significance. Last evaluated: 2024-09-27. Review status: criteria provided, single submitter. Criteria: Ambry Variant Classification Scheme 2023. Collection method: clinical testing. Allele origin: germline.

NM_000632.4(ITGAM):c.3178T>A (p.Ser1060Thr)

Gene: ITGAM (integrin subunit alpha M; plus strand). Cytogenetic location: 16p11.2.
Variant type: single nucleotide variant.
Coding change: c.3178T>A on transcript NM_000632.4 (MANE Select); coding-DNA position 3178, T replaced by A.
Protein change: p.Ser1060Thr; replaces serine 1060 with threonine.
Molecular consequence: missense variant.
Genome position (GRCh38, 1-based): chr16:31,330,507, T>A. VCF-style: chr16-31330507-T-A. GRCh37 (hg19) VCF-style: chr16-31341828-T-A.
Other names: c.3181T>A, p.Ser1061Thr (NM_001145808.2); short protein forms S1060T, S1061T.
Identifiers: ClinVar variation 3530497 (VCV003530497.2).